The following is an entry in ClinVar:

NM_001371986.1(UNC80):c.4547A>G (p.Glu1516Gly)

Gene: UNC80 (unc-80 homolog, NALCN channel complex subunit; plus strand). Cytogenetic location: 2q34.
Variant type: single nucleotide variant.
Coding change: c.4547A>G on transcript NM_001371986.1 (MANE Select); coding-DNA position 4547, A replaced by G.
Protein change: p.Glu1516Gly; replaces glutamic acid 1516 with glycine.
Molecular consequence: missense variant.
Genome position (GRCh38, 1-based): chr2:209,896,379, A>G. VCF-style: chr2-209896379-A-G. GRCh37 (hg19) VCF-style: chr2-210761103-A-G.
Other names: c.4349A>G, p.Glu1450Gly (NM_032504.2); c.4334A>G, p.Glu1445Gly (NM_182587.4); short protein forms E1445G, E1450G, E1516G.
Identifiers: ClinVar variation 1521144 (VCV001521144.4), dbSNP rs1450556867, ClinGen allele CA350752143.

ClinVar aggregate classification (germline): Uncertain significance (1 of 4 stars; one submission).

Allele frequency attached by ClinVar (database versions not stated): gnomAD exomes below 0.00001; gnomAD 0.00001; TOPMed 0.00001.
gnomAD v4.1: 2 of 1,551,516 alleles (0.00013%); highest among the groups gnomAD compares: Non-Finnish European, 0.00017%; no homozygotes.

Submission:

Labcorp Genetics (formerly Invitae), Labcorp
Classification: Uncertain significance. Last evaluated: 2021-03-29. Review status: criteria provided, single submitter. Criteria: Invitae Variant Classification Sherloc (09022015). Collection method: clinical testing. Allele origin: germline.
Comment: This variant is not present in population databases (ExAC no frequency). In summary, the available evidence is currently insufficient to determine the role of this variant in disease. Therefore, it has been classified as a Variant of Uncertain Significance. Algorithms developed to predict the effect of missense changes on protein structure and function are either unavailable or do not agree on the potential impact of this missense change (SIFT: "Not Available"; PolyPhen-2: "Possibly Damaging"; Align-GVGD: "Not Available"). This variant has not been reported in the literature in individuals with UNC80-related conditions. This sequence change replaces glutamic acid with glycine at codon 1450 of the UNC80 protein (p.Glu1450Gly). The glutamic acid residue is moderately conserved and there is a moderate physicochemical difference between glutamic acid and glycine.